The following is an entry in ClinVar:

NM_001164508.2(NEB):c.20245C>T (p.Gln6749Ter)

Gene: NEB (nebulin; minus strand). Cytogenetic location: 2q23.3.
Variant type: single nucleotide variant.
Coding change: c.20245C>T on transcript NM_001164508.2 (MANE Select); coding-DNA position 20245, C replaced by T.
Protein change: p.Gln6749Ter; replaces glutamine 6749 with a stop codon.
Molecular consequence: nonsense.
Genome position (GRCh38, 1-based): chr2:151,547,651, G>A on the plus strand (C>T on the coding strand, the complement: NEB is on the minus strand). VCF-style: chr2-151547651-G-A. GRCh37 (hg19) VCF-style: chr2-152404165-G-A.
Other names: c.20245C>T, p.Gln6749Ter (NM_001164507.2, NM_001271208.2); c.15142C>T, p.Gln5048Ter (NM_004543.5); short protein forms Q5048*, Q6749*.
Identifiers: ClinVar variation 5014518 (VCV005014518.1).

ClinVar aggregate classification (germline): Pathogenic (1 of 4 stars; one submission).

Conditions:
Nemaline myopathy 2 (NEM2). Also called: Nemaline myopathy 2, autosomal recessive. Identifiers: MedGen C1850569, MONDO:0009725, OMIM 256030.

Submission:

Myriad Genetics, Inc.
Classification: Pathogenic for Nemaline myopathy 2. Last evaluated: 2025-05-25. Review status: criteria provided, single submitter. Criteria: Myriad Autosomal Dominant, Autosomal Recessive and X-Linked Classification Criteria (2023). Collection method: clinical testing. Allele origin: unknown.
Comment: NM_001271208.1(NEB):c.20245C>T(Q6749*) is expected to be pathogenic in the context of NEB-related nemaline myopathy. This variant is predicted to lead to an abnormal or absent protein product due to the creation of a premature termination codon in NEB, a gene where loss-of-function variants are known to be pathogenic. Please note: this variant was assessed in the context of healthy population screening.